The following is an entry in ClinVar:

NM_001394062.1(MACF1):c.15989G>A (p.Arg5330Lys)

Gene: MACF1 (microtubule actin crosslinking factor 1; plus strand). Cytogenetic location: 1p34.3.
Variant type: single nucleotide variant.
Coding change: c.15989G>A on transcript NM_001394062.1 (MANE Select); coding-DNA position 15989, G replaced by A.
Protein change: p.Arg5330Lys; replaces arginine 5330 with lysine.
Molecular consequence: missense variant.
Genome position (GRCh38, 1-based): chr1:39,422,740, G>A. VCF-style: chr1-39422740-G-A. GRCh37 (hg19) VCF-style: chr1-39888412-G-A.
Other names: c.4385G>A, p.Arg1462Lys (NM_001397473.1); c.9803G>A, p.Arg3268Lys (NM_012090.5); short protein forms R1462K, R3268K, R5330K.
Identifiers: ClinVar variation 4881609 (VCV004881609.2).

ClinVar aggregate classification (germline): Uncertain significance (1 of 4 stars; one submission).

Submission:

Dasa
Classification: Uncertain significance. Last evaluated: 2025-02-25. Review status: criteria provided, single submitter. Criteria: DASA Assertion Criteria. Collection method: clinical testing. Allele origin: germline.
Comment: NM_001394062.1(MACF1):c.15989G>A (p.Arg5330Lys) is a missense variant that results in the substitution of arginine with lysine. This variant is absent from population databases. The currently available literature and clinical evidence are not sufficient to establish a definitive association between this variant and the reported condition. Therefore, this variant is classified as a variant of uncertain significance.